The following is an entry in ClinVar:

ClinVar aggregate classification (germline): Uncertain significance (1 of 4 stars; one submission).

Conditions:
Inborn genetic diseases. Identifiers: MedGen C0950123, MeSH D030342.

gnomAD v4.1: 1 of 1,613,876 alleles (0.000062%); highest among the groups gnomAD compares: South Asian, 0.0011%; no homozygotes.

Submission:

Ambry Genetics
Classification: Uncertain significance for Inborn genetic diseases. Last evaluated: 2026-04-04. Review status: criteria provided, single submitter. Criteria: Ambry Variant Classification Scheme 2023. Collection method: clinical testing. Allele origin: germline.
Comment: The p.A1803V variant (also known as c.5408C>T), located in coding exon 21 of the FANCM gene, results from a C to T substitution at nucleotide position 5408. The alanine at codon 1803 is replaced by valine, an amino acid with similar properties. This amino acid position is conserved. In addition, this alteration is predicted to be tolerated by in silico analysis. Based on the available evidence, the clinical significance of this variant remains unclear.

NM_020937.4(FANCM):c.5408C>T (p.Ala1803Val)

Gene: FANCM (FA complementation group M; plus strand). Cytogenetic location: 14q21.2.
Variant type: single nucleotide variant.
Coding change: c.5408C>T on transcript NM_020937.4 (MANE Select); coding-DNA position 5408, C replaced by T.
Protein change: p.Ala1803Val; replaces alanine 1803 with valine.
Molecular consequence: missense variant.
Genome position (GRCh38, 1-based): chr14:45,196,239, C>T. VCF-style: chr14-45196239-C-T. GRCh37 (hg19) VCF-style: chr14-45665442-C-T.
Other names: c.5330C>T, p.Ala1777Val (NM_001308133.2); short protein forms A1777V, A1803V.
Identifiers: ClinVar variation 4871062 (VCV004871062.1).